The following is an entry in ClinVar:

ClinVar aggregate classification (germline): Uncertain significance (1 of 4 stars; one submission).

Conditions:
Shprintzen-Goldberg syndrome (SGS). Also called: Marfanoid disorder with craniosynostosis type 1; Marfanoid craniosynostosis syndrome; Shprintzen-Goldberg marfanoid syndrome; SHPRINTZEN-GOLDBERG CRANIOSYNOSTOSIS SYNDROME; CRANIOSYNOSTOSIS WITH ARACHNODACTYLY AND ABDOMINAL HERNIAS. Identifiers: Orphanet 2462, MedGen C1321551, MONDO:0008426, OMIM 182212.

gnomAD v4.1: 2 of 1,602,472 alleles (0.00012%); highest among the groups gnomAD compares: Non-Finnish European, 0.00017%; no homozygotes.

Submission:

Labcorp Genetics (formerly Invitae), Labcorp
Classification: Uncertain significance for Shprintzen-Goldberg syndrome. Last evaluated: 2025-04-11. Review status: criteria provided, single submitter. Criteria: Invitae Variant Classification Sherloc (09022015). Collection method: clinical testing. Allele origin: germline.
Comment: This sequence change replaces phenylalanine, which is neutral and non-polar, with leucine, which is neutral and non-polar, at codon 91 of the SKI protein (p.Phe91Leu). This variant is not present in population databases (gnomAD no frequency). This variant has not been reported in the literature in individuals affected with SKI-related conditions. Invitae Evidence Modeling of protein sequence and biophysical properties (such as structural, functional, and spatial information, amino acid conservation, physicochemical variation, residue mobility, and thermodynamic stability) indicates that this missense variant is not expected to disrupt SKI protein function with a negative predictive value of 95%. In summary, the available evidence is currently insufficient to determine the role of this variant in disease. Therefore, it has been classified as a Variant of Uncertain Significance.

NM_003036.4(SKI):c.273C>A (p.Phe91Leu)

Gene: SKI (SKI proto-oncogene; plus strand). Cytogenetic location: 1p36.33.
Variant type: single nucleotide variant.
Coding change: c.273C>A on transcript NM_003036.4 (MANE Select); coding-DNA position 273, C replaced by A.
Protein change: p.Phe91Leu; replaces phenylalanine 91 with leucine.
Molecular consequence: missense variant.
Genome position (GRCh38, 1-based): chr1:2,229,039, C>A. VCF-style: chr1-2229039-C-A. GRCh37 (hg19) VCF-style: chr1-2160478-C-A.
Other names: short protein forms F91L.
Identifiers: ClinVar variation 4799790 (VCV004799790.1).